The following is an entry in ClinVar:

NM_152564.5(VPS13B):c.4079C>T (p.Ala1360Val)

Gene: VPS13B (vacuolar protein sorting 13 homolog B; plus strand). Cytogenetic location: 8q22.2.
Variant type: single nucleotide variant.
Coding change: c.4079C>T on transcript NM_152564.5 (MANE Select); coding-DNA position 4079, C replaced by T.
Protein change: p.Ala1360Val; replaces alanine 1360 with valine.
Molecular consequence: missense variant.
Genome position (GRCh38, 1-based): chr8:99,502,872, C>T. VCF-style: chr8-99502872-C-T. GRCh37 (hg19) VCF-style: chr8-100515100-C-T.
Other names: c.4079C>T, p.Ala1360Val (NM_017890.5); short protein forms A1360V.
Identifiers: ClinVar variation 2117743 (VCV002117743.1), dbSNP rs1346853825, ClinGen allele CA371869968.

ClinVar aggregate classification (germline): Uncertain significance (1 of 4 stars; one submission).

Conditions:
Cohen syndrome (COH1). Also called: Cutis verticis gyrata, retinitis pigmentosa, and sensorineural deafness; PEPPER SYNDROME. Identifiers: Orphanet 193, MedGen C0265223, MONDO:0008999, OMIM 216550.

gnomAD v4.1: 1 of 1,613,450 alleles (0.000062%); no homozygotes.

Submission:

Labcorp Genetics (formerly Invitae), Labcorp
Classification: Uncertain significance for Cohen syndrome. Last evaluated: 2022-08-07. Review status: criteria provided, single submitter. Criteria: Invitae Variant Classification Sherloc (09022015). Collection method: clinical testing. Allele origin: germline.
Comment: This sequence change replaces alanine, which is neutral and non-polar, with valine, which is neutral and non-polar, at codon 1360 of the VPS13B protein (p.Ala1360Val). This variant is not present in population databases (gnomAD no frequency). This variant has not been reported in the literature in individuals affected with VPS13B-related conditions. Algorithms developed to predict the effect of missense changes on protein structure and function are either unavailable or do not agree on the potential impact of this missense change (SIFT: "Not Available"; PolyPhen-2: "Benign"; Align-GVGD: "Not Available"). In summary, the available evidence is currently insufficient to determine the role of this variant in disease. Therefore, it has been classified as a Variant of Uncertain Significance.